The following is an entry in ClinVar:

NM_005559.4(LAMA1):c.5504A>G (p.Glu1835Gly)

Gene: LAMA1 (laminin subunit alpha 1; minus strand). Cytogenetic location: 18p11.31.
Variant type: single nucleotide variant.
Coding change: c.5504A>G on transcript NM_005559.4 (MANE Select); coding-DNA position 5504, A replaced by G.
Protein change: p.Glu1835Gly; replaces glutamic acid 1835 with glycine.
Molecular consequence: missense variant.
Genome position (GRCh38, 1-based): chr18:6,985,393, T>C on the plus strand (A>G on the coding strand, the complement: LAMA1 is on the minus strand). VCF-style: chr18-6985393-T-C. GRCh37 (hg19) VCF-style: chr18-6985392-T-C.
Other names: short protein forms E1835G.
Identifiers: ClinVar variation 1903408 (VCV001903408.5), dbSNP rs1221754723, ClinGen allele CA401837852.

ClinVar aggregate classification (germline): Uncertain significance (1 of 4 stars; one submission).

Allele frequency attached by ClinVar (database versions not stated): gnomAD exomes below 0.00001.
gnomAD v4.1: 2 of 1,614,238 alleles (0.00012%); highest among the groups gnomAD compares: Non-Finnish European, 0.00017%; no homozygotes.

Submission:

Labcorp Genetics (formerly Invitae), Labcorp
Classification: Uncertain significance. Last evaluated: 2022-05-07. Review status: criteria provided, single submitter. Criteria: Invitae Variant Classification Sherloc (09022015). Collection method: clinical testing. Allele origin: germline.
Comment: This sequence change replaces glutamic acid, which is acidic and polar, with glycine, which is neutral and non-polar, at codon 1835 of the LAMA1 protein (p.Glu1835Gly). In summary, the available evidence is currently insufficient to determine the role of this variant in disease. Therefore, it has been classified as a Variant of Uncertain Significance. Algorithms developed to predict the effect of missense changes on protein structure and function are either unavailable or do not agree on the potential impact of this missense change (SIFT: "Deleterious"; PolyPhen-2: "Possibly Damaging"; Align-GVGD: "Class C0"). This variant has not been reported in the literature in individuals affected with LAMA1-related conditions. This variant is present in population databases (no rsID available, gnomAD 0.0009%).